The following is an entry in ClinVar:

NM_000540.3(RYR1):c.8142T>C (p.Tyr2714=)

Gene: RYR1 (ryanodine receptor 1; plus strand). Cytogenetic location: 19q13.2.
Variant type: single nucleotide variant.
Coding change: c.8142T>C on transcript NM_000540.3 (MANE Select); coding-DNA position 8142, T replaced by C.
Protein change: p.Tyr2714=; no amino-acid change (tyrosine 2714 retained).
Molecular consequence: synonymous variant.
Genome position (GRCh38, 1-based): chr19:38,504,822, T>C. VCF-style: chr19-38504822-T-C. GRCh37 (hg19) VCF-style: chr19-38995462-T-C.
Other names: c.8142T>C, p.Tyr2714= (NM_001042723.2).
Identifiers: ClinVar variation 507858 (VCV000507858.59), dbSNP rs567352621, ClinGen allele CA071537.

ClinVar aggregate classification (germline): Likely benign. Review status: criteria provided, multiple submitters, no conflicts (2 of 4 stars). 6 submissions from 6 submitters: Likely benign (6). Last evaluated 2025-12-26.

Conditions:
Malignant hyperthermia, susceptibility to, 1 (MHS1). Also called: Anesthesia related hyperthermia; Malignant hyperpyrexia; Fulminating hyperpyrexia; Pharmacogenic myopathy; RYR1-Related Malignant Hyperthermia Susceptibility; Malignant hyperthermia suceptibility 1. Identifiers: Orphanet 423, MedGen C2930980, MONDO:0007783, OMIM 145600.
RYR1-related disorder. Also called: RYR1-related condition; RYR1-related disorders. Identifiers: MedGen CN239331.

Allele frequency attached by ClinVar (database versions not stated): gnomAD 0.00004; gnomAD exomes 0.00006 and 0.00007; TOPMed 0.00003; ExAC 0.00011.
gnomAD v4.1: 101 of 1,614,018 alleles (0.0063%); highest among the groups gnomAD compares: Non-Finnish European, 0.0078%; no homozygotes.

Submissions (6):

Labcorp Genetics (formerly Invitae), Labcorp
Classification: Likely benign for RYR1-related disorder. Last evaluated: 2025-12-26. Review status: criteria provided, single submitter. Criteria: Invitae Variant Classification Sherloc (09022015). Collection method: clinical testing. Allele origin: germline.

Blueprint Genetics
Classification: Likely benign. Last evaluated: 2024-05-06. Review status: criteria provided, single submitter. Criteria: ACMG Guidelines, 2015. Collection method: clinical testing. Allele origin: germline.

All of Us Research Program, National Institutes of Health
Classification: Likely benign for Malignant hyperthermia, susceptibility to, 1. Last evaluated: 2023-12-01. Review status: criteria provided, single submitter. Criteria: ACMG Guidelines, 2015. Collection method: clinical testing. Allele origin: germline. Inheritance: Autosomal dominant inheritance. Observed: 14 variant alleles, 14 heterozygotes.
Comment: This study involves interpretation of variants in research participants for the purpose of population health screening. Participant phenotype was not available at the time of variant classification. Additional details can be found in publication PMID: 35346344, PMCID: PMC8962531

Color Diagnostics, LLC DBA Color Health
Classification: Likely benign for Malignant hyperthermia, susceptibility to, 1. Last evaluated: 2022-09-16. Review status: criteria provided, single submitter. Criteria: ACMG Guidelines, 2015. Collection method: clinical testing. Allele origin: germline.

CeGaT Center for Human Genetics Tuebingen
Classification: Likely benign. Last evaluated: 2022-05-01. Review status: criteria provided, single submitter. Criteria: CeGaT Center For Human Genetics Tuebingen Variant Classification Criteria Version 2. Collection method: clinical testing. Allele origin: germline. Affected: yes. Observed: 2 variant alleles.
Comment: RYR1: BP4, BP7

GeneDx
Classification: Likely benign. Last evaluated: 2021-03-10. Review status: criteria provided, single submitter. Criteria: GeneDx Variant Classification Process June 2021. Collection method: clinical testing. Allele origin: germline. Affected: yes.